The following is an entry in ClinVar:

ClinVar aggregate classification (germline): Likely pathogenic (1 of 4 stars; one submission).

Conditions:
Rare genetic deafness. Identifiers: Orphanet 96210, MedGen C5680250.

Submission:

Laboratory for Molecular Medicine, Mass General Brigham Personalized Medicine
Classification: Likely pathogenic for Rare genetic deafness. Last evaluated: 2022-08-26. Review status: criteria provided, single submitter. Criteria: ACMG Guidelines, 2015. Collection method: clinical testing. Allele origin: germline.
Comment: The p.Pro169AlafsX48 variant in TPRN has not beed reported in individuals with disease and was absent from large population studies. This variant is predicted to cause a frameshift, which alters the protein’s amino acid sequence beginning at position 169 and leads to a premature termination codon 48 amino acids downstream. This alteration is then predicted to lead to a truncated or absent protein. Loss of function of the TPRN gene is an established disease mechanism in autosomal recessive hearing loss. In summary, although additional studies are required to fully establish its clinical significance, this variant meets criteria to be classified as likely pathogenic for autosomal recessive hearing loss. ACMG/AMP Criteria applied: PVS1, PM2_Supporting.

NM_001128228.3(TPRN):c.505_542del (p.Pro169fs)

Gene: TPRN (taperin; minus strand). Cytogenetic location: 9q34.3.
Variant type: Deletion.
Coding change: c.505_542del on transcript NM_001128228.3 (MANE Select); coding-DNA positions 505 to 542, 38 bases deleted.
Protein change: p.Pro169fs; shifts the reading frame from proline 169.
Molecular consequence: frameshift variant.
Genome position (GRCh38, 1-based): chr9:137,200,170-137,200,207, 38 bases deleted; deleting any 38 consecutive bases within chr9:137,200,170-137,200,212 gives the same sequence; the c. name uses the placement nearest the transcript's 3' end. GRCh37 (hg19): chr9:140,094,627-140,094,664.
Other names: short protein forms P169fs.
Identifiers: ClinVar variation 3075889 (VCV003075889.1), dbSNP rs1834782818, ClinGen allele CA1884351606.